The following is an entry in ClinVar:

ClinVar aggregate classification (germline): Uncertain significance (1 of 4 stars; one submission).

Submission:

Labcorp Genetics (formerly Invitae), Labcorp
Classification: Uncertain significance. Last evaluated: 2025-01-29. Review status: criteria provided, single submitter. Criteria: Invitae Variant Classification Sherloc (09022015). Collection method: clinical testing. Allele origin: germline.
Comment: This sequence change replaces serine, which is neutral and polar, with asparagine, which is neutral and polar, at codon 64 of the MAST1 protein (p.Ser64Asn). This variant is not present in population databases (gnomAD no frequency). This variant has not been reported in the literature in individuals affected with MAST1-related conditions. An algorithm developed to predict the effect of missense changes on protein structure and function (PolyPhen-2) suggests that this variant is likely to be disruptive. In summary, the available evidence is currently insufficient to determine the role of this variant in disease. Therefore, it has been classified as a Variant of Uncertain Significance.

NM_014975.3(MAST1):c.191G>A (p.Ser64Asn)

Gene: MAST1 (microtubule associated serine/threonine kinase 1; plus strand). Cytogenetic location: 19p13.13.
Variant type: single nucleotide variant.
Coding change: c.191G>A on transcript NM_014975.3 (MANE Select); coding-DNA position 191, G replaced by A.
Protein change: p.Ser64Asn; replaces serine 64 with asparagine.
Molecular consequence: missense variant.
Genome position (GRCh38, 1-based): chr19:12,841,009, G>A. VCF-style: chr19-12841009-G-A. GRCh37 (hg19) VCF-style: chr19-12951823-G-A.
Other names: short protein forms S64N.
Identifiers: ClinVar variation 3729522 (VCV003729522.2).